The following is an entry in ClinVar:

ClinVar aggregate classification (germline): Conflicting classifications of pathogenicity. Review status: criteria provided, conflicting classifications (1 of 4 stars). 4 submissions from 4 submitters: Uncertain significance (1); Benign (1); Likely benign (2). Last evaluated 2026-08-18.

Conditions:
Hereditary cancer-predisposing syndrome. Also called: Hereditary neoplastic syndrome; Neoplastic Syndromes, Hereditary; Tumor predisposition; Hereditary Cancer Syndrome. Identifiers: Orphanet 140162, MedGen C0027672, MeSH D009386, MONDO:0015356.
DICER1-related tumor predisposition. Also called: DICER1 syndrome; DICER1-related pleuropulmonary blastoma cancer predisposition syndrome. Identifiers: Orphanet 284343, MedGen C3839822, MONDO:0100216.

Allele frequency attached by ClinVar (database versions not stated): gnomAD exomes 0.00002.
gnomAD v4.1: 18 of 1,614,098 alleles (0.0011%); highest among the groups gnomAD compares: Non-Finnish European, 0.0015%; no homozygotes.

Submissions (4):

Myriad Genetics, Inc.
Classification: Benign for DICER1-related tumor predisposition. Last evaluated: 2026-08-18. Review status: criteria provided, single submitter. Criteria: Myriad Autosomal Dominant, Autosomal Recessive and X-Linked Classification Criteria (2023). Collection method: clinical testing. Allele origin: unknown.
Comment: This variant is considered benign. This variant is a silent/synonymous amino acid change and it is not expected to impact splicing.

Labcorp Genetics (formerly Invitae), Labcorp
Classification: Likely benign for DICER1-related tumor predisposition. Last evaluated: 2025-07-10. Review status: criteria provided, single submitter. Criteria: Invitae Variant Classification Sherloc (09022015). Collection method: clinical testing. Allele origin: germline.

Quest Diagnostics Nichols Institute San Juan Capistrano
Classification: Uncertain significance. Last evaluated: 2022-12-14. Review status: criteria provided, single submitter. Criteria: Quest Diagnostics criteria. Collection method: clinical testing. Allele origin: unknown.
Comment: To the best of our knowledge, the variant has not been reported in the published literature. It also has not been reported in large, multi-ethnic general populations. Analysis of this variant using software algorithms for the prediction of the effect of nucleotide changes on splicing yielded predictions that this variant does not affect DICER1 mRNA splicing . Based on the available information, we are unable to determine the clinical significance of this variant.

Ambry Genetics
Classification: Likely benign for Hereditary cancer-predisposing syndrome. Last evaluated: 2019-01-10. Review status: criteria provided, single submitter. Criteria: Ambry Variant Classification Scheme 2023. Collection method: clinical testing. Allele origin: germline.

NM_177438.3(DICER1):c.2616T>A (p.Ala872=)

Gene: DICER1 (dicer 1, ribonuclease III; minus strand). Cytogenetic location: 14q32.13.
Variant type: single nucleotide variant.
Coding change: c.2616T>A on transcript NM_177438.3 (MANE Select); coding-DNA position 2616, T replaced by A.
Protein change: p.Ala872=; no amino-acid change (alanine 872 retained).
Molecular consequence: synonymous variant.
Genome position (GRCh38, 1-based): chr14:95,107,914, A>T on the plus strand (T>A on the coding strand, the complement: DICER1 is on the minus strand). VCF-style: chr14-95107914-A-T. GRCh37 (hg19) VCF-style: chr14-95574251-A-T.
Other names: c.2616T>A, p.Ala872= (NM_001195573.1, NM_001271282.3, NM_001291628.2 and 1 more transcripts).
Identifiers: ClinVar variation 821574 (VCV000821574.15), dbSNP rs1595380153, ClinGen allele CA487844770.